The following is an entry in ClinVar:

NM_006231.4(POLE):c.4517C>T (p.Ser1506Leu)

Gene: POLE (DNA polymerase epsilon, catalytic subunit; minus strand). Cytogenetic location: 12q24.33.
Variant type: single nucleotide variant.
Coding change: c.4517C>T on transcript NM_006231.4 (MANE Select); coding-DNA position 4517, C replaced by T.
Protein change: p.Ser1506Leu; replaces serine 1506 with leucine.
Molecular consequence: missense variant.
Genome position (GRCh38, 1-based): chr12:132,643,258, G>A on the plus strand (C>T on the coding strand, the complement: POLE is on the minus strand). VCF-style: chr12-132643258-G-A. GRCh37 (hg19) VCF-style: chr12-133219844-G-A.
Other names: short protein forms S1506L.
Identifiers: ClinVar variation 3781521 (VCV003781521.1).

ClinVar aggregate classification (germline): Uncertain significance (1 of 4 stars; one submission).

Conditions:
Hereditary cancer-predisposing syndrome. Also called: Neoplastic Syndromes, Hereditary; Hereditary Cancer Syndrome; Tumor predisposition; Hereditary neoplastic syndrome. Identifiers: Orphanet 140162, MedGen C0027672, MeSH D009386, MONDO:0015356.

gnomAD v4.1: 2 of 1,613,762 alleles (0.00012%); highest among the groups gnomAD compares: African/African-American, 0.0013%; no homozygotes.

Submission:

Ambry Genetics
Classification: Uncertain significance for Hereditary cancer-predisposing syndrome. Last evaluated: 2025-02-04. Review status: criteria provided, single submitter. Criteria: Ambry Variant Classification Scheme 2023. Collection method: clinical testing. Allele origin: germline.
Comment: The p.S1506L variant (also known as c.4517C>T), located in coding exon 35 of the POLE gene, results from a C to T substitution at nucleotide position 4517. The serine at codon 1506 is replaced by leucine, an amino acid with dissimilar properties. This amino acid position is not well conserved in available vertebrate species. In addition, this alteration is predicted to be tolerated by in silico analysis. Based on the available evidence, the clinical significance of this variant remains unclear.